The following is an entry in ClinVar:

ClinVar aggregate classification (germline): Likely benign (1 of 4 stars; one submission).

gnomAD v4.1: 1 of 1,602,838 alleles (0.000062%); highest among the groups gnomAD compares: Non-Finnish European, 0.000085%; no homozygotes.

Submission:

Women's Health and Genetics/Laboratory Corporation of America, LabCorp
Classification: Likely benign. Last evaluated: 2026-03-26. Review status: criteria provided, single submitter. Criteria: LabCorp Variant Classification Summary - May 2015. Collection method: clinical testing. Allele origin: germline.
Comment: Variant summary: DPP6 c.244-140719A>G is located at a position not widely known to affect splicing. Consensus agreement among computation tools predict no significant impact on normal splicing. However, these predictions have yet to be confirmed by functional studies. The variant allele was found at a frequency of 4.3e-06 in 229890 control chromosomes. The available data on variant occurrences in the general population are insufficient to allow any conclusion about variant significance. To our knowledge, no occurrence of c.244-140719A>G in individuals affected with DPP6-related conditions and no experimental evidence demonstrating its impact on protein function have been reported. No submitters have cited clinical-significance assessments for this variant to ClinVar. Based on the evidence outlined above, the variant was classified as likely benign.

NM_130797.4(DPP6):c.244-140719A>G

Gene: DPP6 (dipeptidyl peptidase like 6; plus strand). Cytogenetic location: 7q36.2.
Variant type: single nucleotide variant.
Coding change: c.244-140719A>G on transcript NM_130797.4 (MANE Select); 140719 bases into the intron before coding-DNA position 244, A replaced by G.
Molecular consequence: intron variant. On other transcripts: missense variant (3), initiator codon variant (3), non-coding transcript variant (1).
Genome position (GRCh38, 1-based): chr7:154,305,495, A>G. VCF-style: chr7-154305495-A-G. GRCh37 (hg19) VCF-style: chr7-154002580-A-G.
Other names: c.1A>G, p.Met1Val (NM_001290252.2, NM_001364502.2, NM_001936.5); c.61-140719A>G (NM_001364500.2, NM_001364499.2, NM_001364497.2 and 1 more transcripts); c.52-140719A>G (NM_001364501.2, NM_001039350.3); c.244-140719A>G (NM_001290253.2); short protein forms M1V.
Identifiers: ClinVar variation 4847654 (VCV004847654.1).